The following is an entry in ClinVar:

ClinVar aggregate classification (germline): Uncertain significance (1 of 4 stars; one submission).

Allele frequency attached by ClinVar (database versions not stated): gnomAD exomes below 0.00001; ESP Exome Variant Server 0.00008; gnomAD 0.00010; TOPMed 0.00011.
gnomAD v4.1: 14 of 1,611,960 alleles (0.00087%); highest among the groups gnomAD compares: African/African-American, 0.016%; no homozygotes.

Submission:

Laboratory for Molecular Medicine, Mass General Brigham Personalized Medicine
Classification: Uncertain significance. Last evaluated: 2017-01-28. Review status: criteria provided, single submitter. Criteria: LMM Criteria. Collection method: clinical testing. Allele origin: germline. Observed: 1 variant allele.
Comment: The c.1030-3C>T variant in TMC1 has not been previously reported in individuals with hearing loss, but has been identified in 1/4406 African American chromosome s by the NHLBI Exome Sequencing Project (dbSN P rs370872111). Although this variant has been seen in the general population, i ts frequency is not high enough to rule out a pathogenic role. This variant is l ocated in the 3' splice region. Computational tools do not suggest an impact to splicing. However, this information is not predictive enough to rule out pathoge nicity. In summary, the clinical significance of the c.1030-3C>T variant is unce rtain.

NM_138691.3(TMC1):c.1030-3C>T

Gene: TMC1 (transmembrane channel like 1; plus strand). Cytogenetic location: 9q21.13.
Variant type: single nucleotide variant.
Coding change: c.1030-3C>T on transcript NM_138691.3 (MANE Select); 3 bases into the intron before coding-DNA position 1030, C replaced by T.
Molecular consequence: intron variant.
Genome position (GRCh38, 1-based): chr9:72,789,120, C>T. VCF-style: chr9-72789120-C-T. GRCh37 (hg19) VCF-style: chr9-75404036-C-T.
Identifiers: ClinVar variation 504681 (VCV000504681.5), dbSNP rs370872111, ClinGen allele CA193300272.